The following is an entry in ClinVar:

ClinVar aggregate classification (germline): Uncertain significance (1 of 4 stars; one submission).

Submission:

Labcorp Genetics (formerly Invitae), Labcorp
Classification: Uncertain significance. Last evaluated: 2023-10-19. Review status: criteria provided, single submitter. Criteria: Invitae Variant Classification Sherloc (09022015). Collection method: clinical testing. Allele origin: germline.
Comment: This sequence change replaces lysine, which is basic and polar, with glutamic acid, which is acidic and polar, at codon 555 of the MSH3 protein (p.Lys555Glu). This variant is not present in population databases (gnomAD no frequency). This variant has not been reported in the literature in individuals affected with MSH3-related conditions. Algorithms developed to predict the effect of missense changes on protein structure and function output the following: SIFT: "Not Available"; PolyPhen-2: "Probably Damaging"; Align-GVGD: "Not Available". The glutamic acid amino acid residue is found in multiple mammalian species, which suggests that this missense change does not adversely affect protein function. In summary, the available evidence is currently insufficient to determine the role of this variant in disease. Therefore, it has been classified as a Variant of Uncertain Significance.

NM_002439.5(MSH3):c.1663A>G (p.Lys555Glu)

Gene: MSH3 (mutS homolog 3; plus strand). Cytogenetic location: 5q14.1.
Variant type: single nucleotide variant.
Coding change: c.1663A>G on transcript NM_002439.5 (MANE Select); coding-DNA position 1663, A replaced by G.
Protein change: p.Lys555Glu; replaces lysine 555 with glutamic acid.
Molecular consequence: missense variant.
Genome position (GRCh38, 1-based): chr5:80,744,515, A>G. VCF-style: chr5-80744515-A-G. GRCh37 (hg19) VCF-style: chr5-80040334-A-G.
Other names: short protein forms K555E.
Identifiers: ClinVar variation 2770045 (VCV002770045.3), dbSNP rs2546762030, ClinGen allele CA360274638.
Genomic context (GRCh38, chr5:80,744,515, plus strand): 5'-TGGCACAAATAATTGTCTAGTTAATAAAACTTGTTTTCTGGTCTTTCTTAGACTGATATG[A>G]AAACCAAAGGAAGTTTGCTGTGGGTTTTAGACCACACTAAAACTTCATTTGGGAGACGGA-3'
Protein context (NP_002430.3, residues 545-565): LEILQNQTDM[Lys555Glu]TKGSLLWVLD